The following is an entry in ClinVar:

ClinVar aggregate classification (germline): Uncertain significance. Review status: criteria provided, multiple submitters, no conflicts (2 of 4 stars). 3 submissions from 3 submitters: Uncertain significance (3). Last evaluated 2025-01-22.

Allele frequency attached by ClinVar (database versions not stated): ExAC 0.00003; gnomAD 0.00003; TOPMed 0.00003; gnomAD exomes 0.00007; ESP Exome Variant Server 0.00015.
gnomAD v4.1: 101 of 1,613,672 alleles (0.0063%); highest among the groups gnomAD compares: Non-Finnish European, 0.0084%; no homozygotes.

Submissions (3):

Ambry Genetics
Classification: Uncertain significance. Last evaluated: 2025-01-22. Review status: criteria provided, single submitter. Criteria: Ambry Variant Classification Scheme 2023. Collection method: clinical testing. Allele origin: germline.

Mayo Clinic Laboratories, Mayo Clinic
Classification: Uncertain significance. Last evaluated: 2023-02-02. Review status: criteria provided, single submitter. Criteria: ACMG Guidelines, 2015. Collection method: clinical testing. Allele origin: germline. Observed: 1 variant allele.
Comment: PM2

Labcorp Genetics (formerly Invitae), Labcorp
Classification: Uncertain significance. Last evaluated: 2022-05-28. Review status: criteria provided, single submitter. Criteria: Invitae Variant Classification Sherloc (09022015). Collection method: clinical testing. Allele origin: germline.
Comment: This sequence change replaces proline, which is neutral and non-polar, with serine, which is neutral and polar, at codon 741 of the CTDP1 protein (p.Pro741Ser). The frequency data for this variant in the population databases is considered unreliable, as metrics indicate poor data quality at this position in the gnomAD database. This variant has not been reported in the literature in individuals affected with CTDP1-related conditions. Algorithms developed to predict the effect of missense changes on protein structure and function are either unavailable or do not agree on the potential impact of this missense change (SIFT: "Tolerated"; PolyPhen-2: "Probably Damaging"; Align-GVGD: "Class C0"). In summary, the available evidence is currently insufficient to determine the role of this variant in disease. Therefore, it has been classified as a Variant of Uncertain Significance.

NM_004715.5(CTDP1):c.2221C>T (p.Pro741Ser)

Gene: CTDP1 (CTD phosphatase subunit 1; plus strand). Cytogenetic location: 18q23.
Variant type: single nucleotide variant.
Coding change: c.2221C>T on transcript NM_004715.5 (MANE Select); coding-DNA position 2221, C replaced by T.
Protein change: p.Pro741Ser; replaces proline 741 with serine.
Molecular consequence: missense variant.
Genome position (GRCh38, 1-based): chr18:79,717,820, C>T. VCF-style: chr18-79717820-C-T. GRCh37 (hg19) VCF-style: chr18-77477820-C-T.
Other names: p.Pro741Ser; c.1864C>T, p.Pro622Ser (NM_001202504.1); c.2221C>T, p.Pro741Ser (NM_001318511.2, NM_048368.4); short protein forms P622S, P741S.
Identifiers: ClinVar variation 2174156 (VCV002174156.3), dbSNP rs372125583, ClinGen allele CA9010522.